The following is an entry in ClinVar:

ClinVar aggregate classification (germline): Uncertain significance (1 of 4 stars; one submission).

Allele frequency attached by ClinVar (database versions not stated): gnomAD exomes below 0.00001.
gnomAD v4.1: 2 of 1,613,912 alleles (0.00012%); highest among the groups gnomAD compares: Non-Finnish European, 0.00017%; no homozygotes.

Submission:

Labcorp Genetics (formerly Invitae), Labcorp
Classification: Uncertain significance. Last evaluated: 2022-07-03. Review status: criteria provided, single submitter. Criteria: Invitae Variant Classification Sherloc (09022015). Collection method: clinical testing. Allele origin: germline.
Comment: Algorithms developed to predict the effect of missense changes on protein structure and function (SIFT, PolyPhen-2, Align-GVGD) all suggest that this variant is likely to be disruptive. In summary, the available evidence is currently insufficient to determine the role of this variant in disease. Therefore, it has been classified as a Variant of Uncertain Significance. This variant has not been reported in the literature in individuals affected with CTDP1-related conditions. This variant is not present in population databases (gnomAD no frequency). This sequence change replaces valine, which is neutral and non-polar, with leucine, which is neutral and non-polar, at codon 706 of the CTDP1 protein (p.Val706Leu).

NM_004715.5(CTDP1):c.2116G>C (p.Val706Leu)

Gene: CTDP1 (CTD phosphatase subunit 1; plus strand). Cytogenetic location: 18q23.
Variant type: single nucleotide variant.
Coding change: c.2116G>C on transcript NM_004715.5 (MANE Select); coding-DNA position 2116, G replaced by C.
Protein change: p.Val706Leu; replaces valine 706 with leucine.
Molecular consequence: missense variant.
Genome position (GRCh38, 1-based): chr18:79,717,582, G>C. VCF-style: chr18-79717582-G-C. GRCh37 (hg19) VCF-style: chr18-77477582-G-C.
Other names: c.1759G>C, p.Val587Leu (NM_001202504.1); c.2116G>C, p.Val706Leu (NM_001318511.2, NM_048368.4); short protein forms V587L, V706L.
Identifiers: ClinVar variation 2175629 (VCV002175629.3), dbSNP rs2512097619, ClinGen allele CA402832963.